The following is an entry in ClinVar:

ClinVar aggregate classification (germline): Uncertain significance (1 of 4 stars; one submission).

Conditions:
Bardet-Biedl syndrome (BBS). Identifiers: Orphanet 110, MedGen C0752166, MONDO:0015229.

Submission:

Labcorp Genetics (formerly Invitae), Labcorp
Classification: Uncertain significance for Bardet-Biedl syndrome. Last evaluated: 2021-06-16. Review status: criteria provided, single submitter. Criteria: Invitae Variant Classification Sherloc (09022015). Collection method: clinical testing. Allele origin: germline.
Comment: In summary, the available evidence is currently insufficient to determine the role of this variant in disease. Therefore, it has been classified as a Variant of Uncertain Significance. Algorithms developed to predict the effect of missense changes on protein structure and function (SIFT, PolyPhen-2, Align-GVGD) all suggest that this variant is likely to be tolerated, but these predictions have not been confirmed by published functional studies and their clinical significance is uncertain. This sequence change replaces glycine with aspartic acid at codon 313 of the BBS1 protein (p.Gly313Asp). The glycine residue is moderately conserved and there is a moderate physicochemical difference between glycine and aspartic acid. This variant is not present in population databases (ExAC no frequency). This variant has been observed in individual(s) with Bardet-Biedl syndrome (Invitae).

NM_024649.5(BBS1):c.938G>A (p.Gly313Asp)

Genes: BBS1 (Bardet-Biedl syndrome 1; plus strand), ZDHHC24 (zDHHC palmitoyltransferase 24; minus strand). Cytogenetic location: 11q13.2.
Variant type: single nucleotide variant.
Coding change: c.938G>A on transcript NM_024649.5 (MANE Select); coding-DNA position 938, G replaced by A.
Protein change: p.Gly313Asp; replaces glycine 313 with aspartic acid.
Molecular consequence: missense variant. On other transcripts: intron variant (1).
Genome position (GRCh38, 1-based): chr11:66,523,563, G>A. VCF-style: chr11-66523563-G-A. GRCh37 (hg19) VCF-style: chr11-66291034-G-A.
Other names: c.*22-2097C>T (NM_001348571.2); short protein forms G313D.
Identifiers: ClinVar variation 1401280 (VCV001401280.9), dbSNP rs1280115378, ClinGen allele CA381461814.